The following is an entry in ClinVar:

NM_002658.6(PLAU):c.861G>T (p.Arg287Ser)

Genes: C10orf55 (chromosome 10 putative open reading frame 55; minus strand), PLAU (plasminogen activator, urokinase; plus strand). Cytogenetic location: 10q22.2.
Variant type: single nucleotide variant.
Coding change: c.861G>T on transcript NM_002658.6 (MANE Select); coding-DNA position 861, G replaced by T.
Protein change: p.Arg287Ser; replaces arginine 287 with serine.
Molecular consequence: missense variant.
Genome position (GRCh38, 1-based): chr10:73,914,807, G>T. VCF-style: chr10-73914807-G-T. GRCh37 (hg19) VCF-style: chr10-75674565-G-T.
Other names: c.810G>T, p.Arg270Ser (NM_001145031.3); c.603G>T, p.Arg201Ser (NM_001319191.2); short protein forms R201S, R270S, R287S.
Identifiers: ClinVar variation 2637149 (VCV002637149.2), dbSNP rs774240822, ClinGen allele CA5562568.

ClinVar aggregate classification (germline): Uncertain significance. Review status: criteria provided, multiple submitters, no conflicts (2 of 4 stars). 2 submissions from 2 submitters: Uncertain significance (2). Last evaluated 2024-05-15.

Conditions:
PLAU-related disorder. Also called: PLAU-related condition.

gnomAD v4.1: 7 of 1,614,014 alleles (0.00043%); highest among the groups gnomAD compares: Admixed American, 0.01%; no homozygotes.

Submissions (2):

Women's Health and Genetics/Laboratory Corporation of America, LabCorp
Classification: Uncertain significance. Last evaluated: 2024-05-15. Review status: criteria provided, single submitter. Criteria: LabCorp Variant Classification Summary - May 2015. Collection method: clinical testing. Allele origin: germline.
Comment: Variant summary: PLAU c.861G>T (p.Arg287Ser) results in a non-conservative amino acid change located in the Serine proteases, trypsin domain (IPR001254) of the encoded protein sequence. Four of five in-silico tools predict a benign effect of the variant on protein function. The variant allele was found at a frequency of 1.6e-05 in 248780 control chromosomes. The available data on variant occurrences in the general population are insufficient to allow any conclusion about variant significance. To our knowledge, no occurrence of c.861G>T in individuals affected with Quebec Platelet Disorder and no experimental evidence demonstrating its impact on protein function have been reported. ClinVar contains an entry for this variant (Variation ID: 2637149). Based on the evidence outlined above, the variant was classified as uncertain significance.

PreventionGenetics, part of Exact Sciences
Classification: Uncertain significance for PLAU-related condition. Last evaluated: 2023-01-27. Review status: criteria provided, single submitter. Criteria: ACMG Guidelines, 2015. Collection method: clinical testing. Allele origin: germline.
Comment: The PLAU c.861G>T variant is predicted to result in the amino acid substitution p.Arg287Ser. To our knowledge, this variant has not been reported in the literature. This variant is reported in 0.012% of alleles in individuals of Latino descent in gnomAD. At this time, the clinical significance of this variant is uncertain due to the absence of conclusive functional and genetic evidence.